The following is an entry in ClinVar:

ClinVar aggregate classification (germline): Uncertain significance (1 of 4 stars; one submission).

Allele frequency attached by ClinVar (database versions not stated): gnomAD exomes below 0.00001.
gnomAD v4.1: 2 of 1,612,928 alleles (0.00012%); highest among the groups gnomAD compares: Admixed American, 0.0033%; 1 homozygote.

Submission:

Labcorp Genetics (formerly Invitae), Labcorp
Classification: Uncertain significance. Last evaluated: 2023-06-25. Review status: criteria provided, single submitter. Criteria: Invitae Variant Classification Sherloc (09022015). Collection method: clinical testing. Allele origin: germline.
Comment: In summary, the available evidence is currently insufficient to determine the role of this variant in disease. Therefore, it has been classified as a Variant of Uncertain Significance. This variant is present in population databases (no rsID available, gnomAD 0.006%). This variant has not been reported in the literature in individuals affected with KDM1A-related conditions. Advanced modeling of protein sequence and biophysical properties (such as structural, functional, and spatial information, amino acid conservation, physicochemical variation, residue mobility, and thermodynamic stability) performed at Invitae indicates that this missense variant is not expected to disrupt KDM1A protein function. This sequence change replaces serine, which is neutral and polar, with asparagine, which is neutral and polar, at codon 319 of the KDM1A protein (p.Ser319Asn).

NM_001009999.3(KDM1A):c.956G>A (p.Ser319Asn)

Gene: KDM1A (lysine demethylase 1A; plus strand). Cytogenetic location: 1p36.12.
Variant type: single nucleotide variant.
Coding change: c.956G>A on transcript NM_001009999.3 (MANE Select); coding-DNA position 956, G replaced by A.
Protein change: p.Ser319Asn; replaces serine 319 with asparagine.
Molecular consequence: missense variant.
Genome position (GRCh38, 1-based): chr1:23,056,004, G>A. VCF-style: chr1-23056004-G-A. GRCh37 (hg19) VCF-style: chr1-23382497-G-A.
Other names: c.896G>A, p.Ser299Asn (NM_001363654.2, NM_001410763.1, NM_015013.4); c.956G>A, p.Ser319Asn (NM_001410762.1); short protein forms S299N, S319N.
Identifiers: ClinVar variation 2729344 (VCV002729344.3), dbSNP rs1369607421, ClinGen allele CA338962982.